The following is an entry in ClinVar:

NM_152468.5(TMC8):c.95C>T (p.Ser32Phe)

Genes: TMC6 (transmembrane channel like 6; minus strand), TMC8 (transmembrane channel like 8; plus strand), LOC130061792 (ATAC-STARR-seq lymphoblastoid silent region 9043; plus strand). Cytogenetic location: 17q25.3.
Variant type: single nucleotide variant.
Coding change: c.95C>T on transcript NM_152468.5 (MANE Select); coding-DNA position 95, C replaced by T.
Protein change: p.Ser32Phe; replaces serine 32 with phenylalanine.
Molecular consequence: missense variant. On other transcripts: intron variant (1).
Genome position (GRCh38, 1-based): chr17:78,131,683, C>T. VCF-style: chr17-78131683-C-T. GRCh37 (hg19) VCF-style: chr17-76127764-C-T.
Other names: c.-75+658G>A (NM_007267.7); short protein forms S32F.
Identifiers: ClinVar variation 1438173 (VCV001438173.46), dbSNP rs1217529235, ClinGen allele CA401239097.

ClinVar aggregate classification (germline): Uncertain significance (1 of 4 stars; one submission).

Conditions:
Epidermodysplasia verruciformis. Identifiers: Orphanet 302, MedGen C0014522, MONDO:0009176.

Submission:

Labcorp Genetics (formerly Invitae), Labcorp
Classification: Uncertain significance for Epidermodysplasia verruciformis. Last evaluated: 2021-01-09. Review status: criteria provided, single submitter. Criteria: Invitae Variant Classification Sherloc (09022015). Collection method: clinical testing. Allele origin: germline.
Comment: This sequence change replaces serine with phenylalanine at codon 32 of the TMC8 protein (p.Ser32Phe). The serine residue is moderately conserved and there is a large physicochemical difference between serine and phenylalanine. This variant is not present in population databases (ExAC no frequency). This variant has not been reported in the literature in individuals with TMC8-related conditions. Algorithms developed to predict the effect of missense changes on protein structure and function are either unavailable or do not agree on the potential impact of this missense change (SIFT: "Deleterious"; PolyPhen-2: "Probably Damaging"; Align-GVGD: "Class C0"). In summary, the available evidence is currently insufficient to determine the role of this variant in disease. Therefore, it has been classified as a Variant of Uncertain Significance.